The following is an entry in ClinVar:

ClinVar aggregate classification (germline): Benign/Likely benign. Review status: criteria provided, multiple submitters, no conflicts (2 of 4 stars). 3 submissions from 3 submitters: Benign (1); Likely benign (2). Last evaluated 2026-01-20.

Conditions:
PMM2-congenital disorder of glycosylation. Also called: PMM2-CDG; PHOSPHOMANNOMUTASE 2 DEFICIENCY; Congenital disorder of glycosylation, type Ia; CDG Ia; JAEKEN SYNDROME; CARBOHYDRATE-DEFICIENT GLYCOPROTEIN SYNDROME, TYPE Ia. Identifiers: Orphanet 79318, MedGen C0349653, MONDO:0008907, OMIM 212065.

Allele frequency attached by ClinVar (database versions not stated): ExAC 0.00018; gnomAD exomes 0.00023; 1000 Genomes Project 0.00100; gnomAD 0.00074; ESP Exome Variant Server 0.00077; TOPMed 0.00077; 1000 Genomes Project 30x 0.00094.
gnomAD v4.1: 192 of 1,428,174 alleles (0.013%); highest among the groups gnomAD compares: African/African-American, 0.23%; no homozygotes.

Submissions (3):

Labcorp Genetics (formerly Invitae), Labcorp
Classification: Benign for PMM2-congenital disorder of glycosylation. Last evaluated: 2026-01-20. Review status: criteria provided, single submitter. Criteria: Invitae Variant Classification Sherloc (09022015). Collection method: clinical testing. Allele origin: germline.

Blueprint Genetics
Classification: Likely benign. Last evaluated: 2024-09-18. Review status: criteria provided, single submitter. Criteria: ACMG Guidelines, 2015. Collection method: clinical testing. Allele origin: germline.

GeneDx
Classification: Likely benign. Last evaluated: 2017-06-12. Review status: criteria provided, single submitter. Criteria: GeneDx Variant Classification (06012015). Collection method: clinical testing. Allele origin: germline. Affected: yes.
Comment: This variant is considered likely benign or benign based on one or more of the following criteria: it is a conservative change, it occurs at a poorly conserved position in the protein, it is predicted to be benign by multiple in silico algorithms, and/or has population frequency not consistent with disease.

NM_000303.3(PMM2):c.639+19G>C

Gene: PMM2 (phosphomannomutase 2; plus strand). Cytogenetic location: 16p13.2.
Variant type: single nucleotide variant.
Coding change: c.639+19G>C on transcript NM_000303.3 (MANE Select); 19 bases into the intron after coding-DNA position 639, G replaced by C.
Molecular consequence: intron variant.
Genome position (GRCh38, 1-based): chr16:8,813,125, G>C. VCF-style: chr16-8813125-G-C. GRCh37 (hg19) VCF-style: chr16-8906982-G-C.
Identifiers: ClinVar variation 517890 (VCV000517890.11), dbSNP rs145473288, ClinGen allele CA7894158.
Genomic context (GRCh38, chr16:8,813,125, plus strand): 5'-GGTTATAAGACCATTTATTTCTTTGGAGACAAAACTATGCCAGTAAGTAGAGAAGTGTTT[G>C]TGCACCTTCATTGTTGCATTTGCGCTTGATGGGGGAAATTGACAACTGGGCTGTTTTTCC-3'